The following is an entry in ClinVar:

ClinVar aggregate classification (germline): Uncertain significance (1 of 4 stars; one submission).

Conditions:
AHDC1-related intellectual disability - obstructive sleep apnea - mild dysmorphism syndrome. Also called: Xia-Gibbs syndrome. Identifiers: Orphanet 412069, MedGen C4014419, MONDO:0014358, OMIM 615829.

Submission:

Victorian Clinical Genetics Services, Murdoch Childrens Research Institute
Classification: Uncertain significance for AHDC1-related intellectual disability - obstructive sleep apnea - mild dysmorphism syndrome. Last evaluated: 2024-10-09. Review status: criteria provided, single submitter. Criteria: ACMG Guidelines, 2015. Collection method: clinical testing. Allele origin: germline. Inheritance: Autosomal dominant inheritance. Affected: yes.
Comment: Based on the classification scheme VCGS_Germline_v1.3.4, this variant is classified as VUS-3B. Following criteria are met: 0105 - The mechanism of disease for this gene is not clearly established. However, dominant-negative has been suggested (PMID: 24791903). (I) 0107 - This gene is associated with autosomal dominant disease. (I) 0200 - Variant is predicted to result in a missense amino acid change from histidine to leucine. (I) 0251 - This variant is heterozygous. (I) 0301 - Variant is absent from gnomAD (both v2 and v3). (SP) 0502 - Missense variant with conflicting in silico predictions and uninformative conservation. (I) 0604 - Variant is not located in an established domain, motif, hotspot or informative constraint region. (I) 0705 - No comparable missense variants have previous evidence for pathogenicity. (I) 0807 - This variant has no previous evidence of pathogenicity. (I) 0905 - No published segregation evidence has been identified for this variant. (I) 1007 - No published functional evidence has been identified for this variant. (SP) Legend: (SP) - Supporting pathogenic, (I) - Information, (SB) - Supporting benign

Literature cited by the submitters: PubMed 24791903.

NM_001371928.1(AHDC1):c.2882A>T (p.His961Leu)

Gene: AHDC1 (AT-hook DNA binding motif containing 1; minus strand). Cytogenetic location: 1p36.11.
Variant type: single nucleotide variant.
Coding change: c.2882A>T on transcript NM_001371928.1 (MANE Select); coding-DNA position 2882, A replaced by T.
Protein change: p.His961Leu; replaces histidine 961 with leucine.
Molecular consequence: missense variant.
Genome position (GRCh38, 1-based): chr1:27,549,234, T>A on the plus strand (A>T on the coding strand, the complement: AHDC1 is on the minus strand). VCF-style: chr1-27549234-T-A. GRCh37 (hg19) VCF-style: chr1-27875745-T-A.
Other names: c.2882A>T, p.His961Leu (NM_001029882.3); short protein forms H961L.
Identifiers: ClinVar variation 3376974 (VCV003376974.1).